The following is an entry in ClinVar:

ClinVar aggregate classification (germline): Uncertain significance (1 of 4 stars; one submission).

Conditions:
Congenital contractural arachnodactyly (CCA). Also called: BEALS SYNDROME; Beals-Hecht syndrome; Arthrogryposis, distal, type 9. Identifiers: Orphanet 115, MedGen C0220668, MONDO:0007363, OMIM 121050.

gnomAD v4.1: 1 of 1,613,388 alleles (0.000062%); highest among the groups gnomAD compares: South Asian, 0.0011%; no homozygotes.

Submission:

Labcorp Genetics (formerly Invitae), Labcorp
Classification: Uncertain significance for Congenital contractural arachnodactyly. Last evaluated: 2025-01-07. Review status: criteria provided, single submitter. Criteria: Invitae Variant Classification Sherloc (09022015). Collection method: clinical testing. Allele origin: germline.
Comment: This sequence change replaces asparagine, which is neutral and polar, with serine, which is neutral and polar, at codon 1202 of the FBN2 protein (p.Asn1202Ser). This variant is not present in population databases (gnomAD no frequency). This variant has not been reported in the literature in individuals affected with FBN2-related conditions. Invitae Evidence Modeling of protein sequence and biophysical properties (such as structural, functional, and spatial information, amino acid conservation, physicochemical variation, residue mobility, and thermodynamic stability) indicates that this missense variant is not expected to disrupt FBN2 protein function with a negative predictive value of 80%. In summary, the available evidence is currently insufficient to determine the role of this variant in disease. Therefore, it has been classified as a Variant of Uncertain Significance.

NM_001999.4(FBN2):c.3605A>G (p.Asn1202Ser)

Gene: FBN2 (fibrillin 2; minus strand). Cytogenetic location: 5q23.3.
Variant type: single nucleotide variant.
Coding change: c.3605A>G on transcript NM_001999.4 (MANE Select); coding-DNA position 3605, A replaced by G.
Protein change: p.Asn1202Ser; replaces asparagine 1202 with serine.
Molecular consequence: missense variant.
Genome position (GRCh38, 1-based): chr5:128,336,107, T>C on the plus strand (A>G on the coding strand, the complement: FBN2 is on the minus strand). VCF-style: chr5-128336107-T-C. GRCh37 (hg19) VCF-style: chr5-127671799-T-C.
Other names: short protein forms N1202S.
Identifiers: ClinVar variation 3673486 (VCV003673486.2).